The following is an entry in ClinVar:

NM_017760.7(NCAPG2):c.795T>G (p.Ile265Met)

Gene: NCAPG2 (non-SMC condensin II complex subunit G2; minus strand). Cytogenetic location: 7q36.3.
Variant type: single nucleotide variant.
Coding change: c.795T>G on transcript NM_017760.7 (MANE Select); coding-DNA position 795, T replaced by G.
Protein change: p.Ile265Met; replaces isoleucine 265 with methionine.
Molecular consequence: missense variant. On other transcripts: non-coding transcript variant (1).
Genome position (GRCh38, 1-based): chr7:158,686,214, A>C on the plus strand (T>G on the coding strand, the complement: NCAPG2 is on the minus strand). VCF-style: chr7-158686214-A-C. GRCh37 (hg19) VCF-style: chr7-158478906-A-C.
Other names: c.795T>G, p.Ile265Met (NM_001281932.2, NM_001281933.2); short protein forms I265M.
Identifiers: ClinVar variation 3032451 (VCV003032451.2), dbSNP rs138977477, ClinGen allele CA4593018.

ClinVar aggregate classification (germline): Likely benign (0 of 4 stars; one submission).

Conditions:
NCAPG2-related disorder. Also called: NCAPG2-related condition.

Allele frequency attached by ClinVar (database versions not stated): TOPMed 0.00006; ExAC 0.00011; gnomAD exomes 0.00013; gnomAD 0.00015; 1000 Genomes Project 0.00040; 1000 Genomes Project 30x 0.00047.
gnomAD v4.1: 201 of 1,580,626 alleles (0.013%); highest among the groups gnomAD compares: East Asian, 0.45%; 1 homozygote.

Submission:

PreventionGenetics, part of Exact Sciences
Classification: Likely benign for NCAPG2-related condition. Last evaluated: 2023-12-01. Review status: no assertion criteria provided. Collection method: clinical testing. Allele origin: germline.
Comment: This variant is classified as likely benign based on ACMG/AMP sequence variant interpretation guidelines (Richards et al. 2015 PMID: 25741868, with internal and published modifications).